The following is an entry in ClinVar:

ClinVar aggregate classification (germline): Uncertain significance (1 of 4 stars; one submission).

Conditions:
Brugada syndrome. Also called: Sudden unexplained nocturnal death syndrome; Sudden unexpected nocturnal death syndrome; Sudden Unexplained Death Syndrome; Sudden Unexplained Nocturnal Death Syndrome (SUNDS). Identifiers: Orphanet 130, MedGen C1142166, MONDO:0015263.

Submission:

Labcorp Genetics (formerly Invitae), Labcorp
Classification: Uncertain significance for Brugada syndrome. Last evaluated: 2017-09-28. Review status: criteria provided, single submitter. Criteria: Invitae Variant Classification Sherloc (09022015). Collection method: clinical testing. Allele origin: germline.
Comment: This variant has not been reported in the literature in individuals with CACNA2D1-related disease. In summary, the available evidence is currently insufficient to determine the role of this variant in disease. Therefore, it has been classified as a Variant of Uncertain Significance. Experimental studies and prediction algorithms are not available for this variant, and the functional significance of the deleted amino acids is currently unknown. This variant is not present in population databases (ExAC no frequency). This variant, c.1434_1439delCTTAAA, results in the deletion of 2 amino acids of the CACNA2D1 protein (p.Asn478_Leu479del), but otherwise preserves the integrity of the reading frame.

NM_000722.4(CACNA2D1):c.1434_1439del (p.Asn478_Leu479del)

Gene: CACNA2D1 (calcium voltage-gated channel auxiliary subunit alpha2delta 1; minus strand). Cytogenetic location: 7q21.11.
Variant type: Deletion.
Coding change: c.1434_1439del on transcript NM_000722.4 (MANE Select); coding-DNA positions 1434 to 1439, 6 bases deleted (CTTAAA; older notation c.1434_1439delCTTAAA).
Protein change: p.Asn478_Leu479del.
Molecular consequence: inframe deletion.
Genome position (GRCh38, 1-based): chr7:82,007,680-82,007,685, TTTAAG deleted on the plus strand (CTTAAA on the coding strand, the reverse complement: CACNA2D1 is on the minus strand); deleting any 6 consecutive bases within chr7:82,007,680-82,007,688 gives the same sequence; the c. name uses the placement nearest the transcript's 3' end. VCF-style (leftmost placement, unchanged base first): chr7-82007679-CTTTAAG-C. GRCh37 (hg19) VCF-style: chr7-81636995-CTTTAAG-C.
Other names: c.1434_1439del, p.Asn478_Leu479del (NM_001366867.1).
Identifiers: ClinVar variation 532099 (VCV000532099.8), dbSNP rs1554349582, ClinGen allele CA658796949.